The following is an entry in ClinVar:

NM_000038.6(APC):c.358A>C (p.Arg120=)

Gene: APC (APC regulator of Wnt signaling pathway; plus strand). Cytogenetic location: 5q22.2.
Variant type: single nucleotide variant.
Coding change: c.358A>C on transcript NM_000038.6 (MANE Select); coding-DNA position 358, A replaced by C.
Protein change: p.Arg120=; no amino-acid change (arginine 120 retained).
Molecular consequence: synonymous variant. On other transcripts: 5 prime UTR variant (1).
Genome position (GRCh38, 1-based): chr5:112,767,326, A>C. VCF-style: chr5-112767326-A-C. GRCh37 (hg19) VCF-style: chr5-112103023-A-C.
Other names: c.358A>C, p.Arg120= (NM_001127510.3, NM_001354895.2, NM_001354896.2 and 2 more transcripts); c.388A>C, p.Arg130= (NM_001127511.3, NM_001354897.2, NM_001354902.2); c.283A>C, p.Arg95= (NM_001354898.2, NM_001354904.2); c.181A>C, p.Arg61= (NM_001354900.2, NM_001354901.2, NM_001354905.2); c.-678A>C (NM_001354906.2).
Identifiers: ClinVar variation 231973 (VCV000231973.3), dbSNP rs876659470, ClinGen allele CA10578291.

ClinVar aggregate classification (germline): Uncertain significance (1 of 4 stars; one submission).

Conditions:
Hereditary cancer-predisposing syndrome. Also called: Neoplastic Syndromes, Hereditary; Tumor predisposition; Hereditary Cancer Syndrome; Hereditary neoplastic syndrome. Identifiers: Orphanet 140162, MedGen C0027672, MeSH D009386, MONDO:0015356.

Submission:

Ambry Genetics
Classification: Uncertain significance for Hereditary cancer-predisposing syndrome. Last evaluated: 2015-05-25. Review status: criteria provided, single submitter. Criteria: Ambry Autosomal Dominant and X-Linked criteria (10/2015). Collection method: clinical testing. Allele origin: germline. Observed: 1 variant allele.
Comment: There is insufficient or conflicting evidence for classification of this alteration.